The following is an entry in ClinVar:

NM_000257.4(MYH7):c.3823A>C (p.Ser1275Arg)

Gene: MYH7 (myosin heavy chain 7; minus strand). Cytogenetic location: 14q11.2.
Variant type: single nucleotide variant.
Coding change: c.3823A>C on transcript NM_000257.4 (MANE Select); coding-DNA position 3823, A replaced by C.
Protein change: p.Ser1275Arg; replaces serine 1275 with arginine.
Molecular consequence: missense variant.
Genome position (GRCh38, 1-based): chr14:23,419,513, T>G on the plus strand (A>C on the coding strand, the complement: MYH7 is on the minus strand). VCF-style: chr14-23419513-T-G. GRCh37 (hg19) VCF-style: chr14-23888722-T-G.
Other names: p.S1275R:AGC>CGC; c.3823A>C (LRG_384t1); short protein forms S1275R.
Identifiers: ClinVar variation 181235 (VCV000181235.15), dbSNP rs730880784, ClinGen allele CA014129.

ClinVar aggregate classification (germline): Conflicting classifications of pathogenicity. Review status: criteria provided, conflicting classifications (1 of 4 stars). 4 submissions from 4 submitters: Likely pathogenic (1); Uncertain significance (3). Last evaluated 2026-01-19.

Conditions:
Cardiovascular phenotype. Identifiers: MedGen CN230736.
Hypertrophic cardiomyopathy 1 (CMH1). Also called: Familial hypertrophic cardiomyopathy 1; MYH7-Related Familial Hypertrophic Cardiomyopathy. Identifiers: MedGen C3495498, MONDO:0008647, OMIM 192600.
Hypertrophic cardiomyopathy. Also called: HYPERTROPHIC MYOCARDIOPATHY. Identifiers: Orphanet 217569, MedGen C0007194, MeSH D002312, MONDO:0005045, HP:0001639.

Submissions (4):

Labcorp Genetics (formerly Invitae), Labcorp
Classification: Likely pathogenic for Hypertrophic cardiomyopathy. Last evaluated: 2026-01-19. Review status: criteria provided, single submitter. Criteria: Invitae Variant Classification Sherloc (09022015). Collection method: clinical testing. Allele origin: germline.
Comment: This sequence change replaces serine, which is neutral and polar, with arginine, which is basic and polar, at codon 1275 of the MYH7 protein (p.Ser1275Arg). This variant is not present in population databases (gnomAD no frequency). This missense change has been observed in individuals with hypertrophic cardiomyopathy (PMID: 30775854; internal data). ClinVar contains an entry for this variant (Variation ID: 181235). Invitae Evidence Modeling of protein sequence and biophysical properties (such as structural, functional, and spatial information, amino acid conservation, physicochemical variation, residue mobility, and thermodynamic stability) indicates that this missense variant is expected to disrupt MYH7 protein function with a positive predictive value of 80%. In summary, the currently available evidence indicates that the variant is pathogenic, but additional data are needed to prove that conclusively. Therefore, this variant has been classified as Likely Pathogenic.

Helix
Classification: Uncertain significance for Hypertrophic cardiomyopathy 1. Last evaluated: 2025-11-06. Review status: criteria provided, single submitter. Criteria: ACMG Guidelines, 2015. Collection method: clinical testing. Allele origin: germline. Inheritance: Autosomal dominant inheritance.
Comment: This variant (NM_000257.4:c.3823A>C p.Ser1275Arg) results in the substitution of serine with arginine at codon 1275 in the MYH7 protein. It is a rare variant that is absent from the large gnomAD population database (v4.1). To our knowledge, this variant has not been reported in individuals with MYH7-related conditions. In silico prediction from REVEL (PMID: 27666373) suggests that this variant may be benign. This variant is present in ClinVar (Accession: VCV000181235.14). In conclusion, since the available evidence is limited, the clinical significance of this variant is unclear at this time. Therefore, it is classified as a Variant of Uncertain Significance.

GeneDx
Classification: Uncertain significance. Last evaluated: 2024-07-09. Review status: criteria provided, single submitter. Criteria: GeneDx Variant Classification Process June 2021. Collection method: clinical testing. Allele origin: germline. Affected: yes.
Comment: Has not been previously published as pathogenic or benign to our knowledge; Not observed at significant frequency in large population cohorts (gnomAD); In silico analysis indicates that this missense variant does not alter protein structure/function; This variant is associated with the following publications: (PMID: 30775854)

Ambry Genetics
Classification: Uncertain significance for Cardiovascular phenotype. Last evaluated: 2022-08-29. Review status: criteria provided, single submitter. Criteria: Ambry Variant Classification Scheme 2023. Collection method: clinical testing. Allele origin: germline.
Comment: The p.S1275R variant (also known as c.3823A>C), located in coding exon 26 of the MYH7 gene, results from an A to C substitution at nucleotide position 3823. The serine at codon 1275 is replaced by arginine, an amino acid with dissimilar properties. This amino acid position is not well conserved in available vertebrate species. In addition, this alteration is predicted to be tolerated by in silico analysis. Since supporting evidence is limited at this time, the clinical significance of this alteration remains unclear.

Literature cited by the submitters: PubMed 30775854 (cited by Labcorp Genetics (formerly Invitae), Labcorp and Ambry Genetics).